The following is an entry in ClinVar:

NM_001105206.3(LAMA4):c.14C>T (p.Ser5Leu)

Genes: LAMA4 (laminin subunit alpha 4; minus strand), LAMA4-AS1 (LAMA4 antisense RNA 1; plus strand). Cytogenetic location: 6q21.
Variant type: single nucleotide variant.
Coding change: c.14C>T on transcript NM_001105206.3 (MANE Select); coding-DNA position 14, C replaced by T.
Protein change: p.Ser5Leu; replaces serine 5 with leucine.
Molecular consequence: missense variant.
Genome position (GRCh38, 1-based): chr6:112,254,137, G>A on the plus strand (C>T on the coding strand, the complement: LAMA4 is on the minus strand). VCF-style: chr6-112254137-G-A. GRCh37 (hg19) VCF-style: chr6-112575339-G-A.
Other names: c.14C>T, p.Ser5Leu (NM_001105207.3, NM_001105208.3, NM_001105209.3 and 1 more transcripts); c.14C>T (NM_002290.3); short protein forms S5L.
Identifiers: ClinVar variation 1415889 (VCV001415889.10), dbSNP rs1554190586, ClinGen allele CA365519019.

ClinVar aggregate classification (germline): Uncertain significance. Review status: criteria provided, multiple submitters, no conflicts (2 of 4 stars). 2 submissions from 2 submitters: Uncertain significance (2). Last evaluated 2025-06-07.

Conditions:
Dilated cardiomyopathy 1JJ (CMD1JJ). Identifiers: Orphanet 154, MedGen C3808935, MONDO:0014095, OMIM 615235.
Cardiovascular phenotype. Identifiers: MedGen CN230736.

Allele frequency attached by ClinVar (database versions not stated): TOPMed below 0.00001; gnomAD 0.00001.
gnomAD v4.1: 4 of 1,612,816 alleles (0.00025%); highest among the groups gnomAD compares: African/African-American, 0.0027%; no homozygotes.

Submissions (2):

Ambry Genetics
Classification: Uncertain significance for Cardiovascular phenotype. Last evaluated: 2025-06-07. Review status: criteria provided, single submitter. Criteria: Ambry Variant Classification Scheme 2023. Collection method: clinical testing. Allele origin: germline.
Comment: The p.S5L variant (also known as c.14C>T), located in coding exon 1 of the LAMA4 gene, results from a C to T substitution at nucleotide position 14. The serine at codon 5 is replaced by leucine, an amino acid with dissimilar properties. This amino acid position is conserved. In addition, this alteration is predicted to be tolerated by in silico analysis. Based on the available evidence, the clinical significance of this variant remains unclear.

Labcorp Genetics (formerly Invitae), Labcorp
Classification: Uncertain significance for Dilated cardiomyopathy 1JJ. Last evaluated: 2021-05-19. Review status: criteria provided, single submitter. Criteria: Invitae Variant Classification Sherloc (09022015). Collection method: clinical testing. Allele origin: germline.
Comment: In summary, the available evidence is currently insufficient to determine the role of this variant in disease. Therefore, it has been classified as a Variant of Uncertain Significance. Algorithms developed to predict the effect of missense changes on protein structure and function are either unavailable or do not agree on the potential impact of this missense change (SIFT: "Deleterious"; PolyPhen-2: "Benign"; Align-GVGD: "Class C0"). This variant has not been reported in the literature in individuals with LAMA4-related conditions. This variant is not present in population databases (ExAC no frequency). This sequence change replaces serine with leucine at codon 5 of the LAMA4 protein (p.Ser5Leu). The serine residue is weakly conserved and there is a large physicochemical difference between serine and leucine.